The following is an entry in ClinVar:

ClinVar aggregate classification (germline): Uncertain significance. Review status: criteria provided, multiple submitters, no conflicts (2 of 4 stars). 2 submissions from 2 submitters: Uncertain significance (2). Last evaluated 2026-03-25.

Conditions:
Heart defects, congenital, and other congenital anomalies. Also called: PANCREATIC HYPOPLASIA, CONGENITAL, WITH DIABETES MELLITUS AND CONGENITAL HEART DISEASE; Pancreatic hypoplasia-diabetes-congenital heart disease syndrome. Identifiers: Orphanet 2255, MedGen C2931296, MONDO:0010802, OMIM 600001.
Inborn genetic diseases. Identifiers: MedGen C0950123, MeSH D030342.

gnomAD v4.1: 12 of 1,555,020 alleles (0.00077%); highest among the groups gnomAD compares: Non-Finnish European, 0.001%; no homozygotes.

Submissions (2):

Clinical Genomics Laboratory, Washington University in St. Louis
Classification: Uncertain significance for Heart defects, congenital, and other congenital anomalies. Last evaluated: 2026-03-25. Review status: criteria provided, single submitter. Criteria: ACMG Guidelines, 2015. Collection method: clinical testing. Allele origin: germline.
Comment: The GATA6 c.512A>G (p.His171Arg) variant, to our knowledge, has not been reported in the medical literature. This variant has been reported in the ClinVar database as a germline variant of uncertain significance by one submitter. This variant is absent from the general population (gnomAD v2.1.1), indicating it is not a common variant. Computational predictors indicate that the variant is damaging, evidence that correlates with impact on GATA6 function. Due to limited information, and based on ACMG/AMP guidelines for variant interpretation (Richards S et al., PMID: 25741868), the clinical significance of this variant is uncertain at this time.

Ambry Genetics
Classification: Uncertain significance for Inborn genetic diseases. Last evaluated: 2025-03-20. Review status: criteria provided, single submitter. Criteria: Ambry Variant Classification Scheme 2023. Collection method: clinical testing. Allele origin: germline.

NM_005257.6(GATA6):c.512A>G (p.His171Arg)

Gene: GATA6 (GATA binding protein 6; plus strand). Cytogenetic location: 18q11.2.
Variant type: single nucleotide variant.
Coding change: c.512A>G on transcript NM_005257.6 (MANE Select); coding-DNA position 512, A replaced by G.
Protein change: p.His171Arg; replaces histidine 171 with arginine.
Molecular consequence: missense variant.
Genome position (GRCh38, 1-based): chr18:22,171,656, A>G. VCF-style: chr18-22171656-A-G. GRCh37 (hg19) VCF-style: chr18-19751617-A-G.
Other names: short protein forms H171R.
Identifiers: ClinVar variation 4028546 (VCV004028546.2).
Genomic context (GRCh38, chr18:22,171,656, plus strand): 5'-TCGCCGCTCTCTCCAGCCAGGGTCCGGCCGCCTACGACGGCGCGCCCGGCGGCTTCGTGC[A>G]CTCTGCGGCCGCGGCGGCAGCAGCCGCGGCGGCGGCCAGCTCCCCGGTCTACGTGCCCAC-3'
Protein context (NP_005248.2, residues 161-181): AYDGAPGGFV[His171Arg]SAAAAAAAAA